The following is an entry in ClinVar:

NM_000130.5(F5):c.2321G>C (p.Gly774Ala)

Gene: F5 (coagulation factor V; minus strand). Cytogenetic location: 1q24.2.
Variant type: single nucleotide variant.
Coding change: c.2321G>C on transcript NM_000130.5 (MANE Select); coding-DNA position 2321, G replaced by C.
Protein change: p.Gly774Ala; replaces glycine 774 with alanine.
Molecular consequence: missense variant.
Genome position (GRCh38, 1-based): chr1:169,542,769, C>G on the plus strand (G>C on the coding strand, the complement: F5 is on the minus strand). VCF-style: chr1-169542769-C-G. GRCh37 (hg19) VCF-style: chr1-169512007-C-G.
Other names: short protein forms G774A.
Identifiers: ClinVar variation 1676749 (VCV001676749.1), dbSNP rs547915978, ClinGen allele CA1234103.

ClinVar aggregate classification (germline): Uncertain significance (1 of 4 stars; one submission).

Conditions:
Factor V deficiency. Also called: Reduced coagulation factor V activity. Identifiers: Orphanet 326, MedGen C4317320, MONDO:0020586, HP:0003225.

Allele frequency attached by ClinVar (database versions not stated): gnomAD exomes below 0.00001 and 0.00001; ExAC 0.00001; 1000 Genomes Project 30x 0.00016; 1000 Genomes Project 0.00020; gnomAD 0.00001.
gnomAD v4.1: 4 of 1,614,094 alleles (0.00025%); highest among the groups gnomAD compares: East Asian, 0.0089%; no homozygotes.

Submission:

ISTH-SSC Genomics in Thrombosis and Hemostasis, KU Leuven, Center for Molecular and Vascular Biology
Classification: Uncertain significance for Congenital factor V deficiency. Review status: criteria provided, single submitter. Criteria: ACMG Guidelines, 2015. Collection method: clinical testing. Allele origin: unknown. Affected: yes.
Comment: Submitted to GoldVariant by Kathleen Freson, Center for Molecular and Vascular Biology, Leuven, Belgium

Literature cited by the submitters: PubMed 34355501.